The following is an entry in ClinVar:

NM_001453.3(FOXC1):c.338C>T (p.Pro113Leu)

Gene: FOXC1 (forkhead box C1; plus strand). Cytogenetic location: 6p25.3.
Variant type: single nucleotide variant.
Coding change: c.338C>T on transcript NM_001453.3 (MANE Select); coding-DNA position 338, C replaced by T.
Protein change: p.Pro113Leu; replaces proline 113 with leucine.
Molecular consequence: missense variant.
Genome position (GRCh38, 1-based): chr6:1,610,783, C>T. VCF-style: chr6-1610783-C-T. GRCh37 (hg19) VCF-style: chr6-1611018-C-T.
Other names: short protein forms P113L.
Identifiers: ClinVar variation 3343897 (VCV003343897.1).

ClinVar aggregate classification (germline): Uncertain significance (1 of 4 stars; one submission).

gnomAD v4.1: 4 of 1,614,038 alleles (0.00025%); highest among the groups gnomAD compares: South Asian, 0.0011%; no homozygotes.

Submission:

GeneDx
Classification: Uncertain significance. Last evaluated: 2023-11-18. Review status: criteria provided, single submitter. Criteria: GeneDx Variant Classification Process June 2021. Collection method: clinical testing. Allele origin: germline. Affected: yes.
Comment: Not observed at significant frequency in large population cohorts (gnomAD); In silico analysis supports that this missense variant has a deleterious effect on protein structure/function; Has not been previously published as pathogenic or benign to our knowledge